The following is an entry in ClinVar:

NM_004341.5(CAD):c.5008G>A (p.Val1670Met)

Gene: CAD (carbamoyl-phosphate synthetase 2, aspartate transcarbamylase, and dihydroorotase; plus strand). Cytogenetic location: 2p23.3.
Variant type: single nucleotide variant.
Coding change: c.5008G>A on transcript NM_004341.5 (MANE Select); coding-DNA position 5008, G replaced by A.
Protein change: p.Val1670Met; replaces valine 1670 with methionine.
Molecular consequence: missense variant.
Genome position (GRCh38, 1-based): chr2:27,238,578, G>A. VCF-style: chr2-27238578-G-A. GRCh37 (hg19) VCF-style: chr2-27461446-G-A.
Other names: c.4819G>A, p.Val1607Met (NM_001306079.2); short protein forms V1607M, V1670M.
Identifiers: ClinVar variation 1721217 (VCV001721217.5), dbSNP rs377126982, ClinGen allele CA1573721.
Genomic context (GRCh38, chr2:27,238,578, plus strand): 5'-CTGGAGCGCCTGGGGCCTGGGAAGGGGGAGGTCCGGCCTGAGCTTGGCTCCCGCCAGGAT[G>A]TGGAAGCCCTGTGGGAGAACATGGCTGTCATCGACTGCTTTGCCTCAGACCATGGTGAGA-3'
Protein context (NP_004332.2, residues 1660-1680): VRPELGSRQD[Val1670Met]EALWENMAVI

ClinVar aggregate classification (germline): Uncertain significance (1 of 4 stars; one submission).

Allele frequency attached by ClinVar (database versions not stated): TOPMed below 0.00001; ExAC 0.00001; ESP Exome Variant Server 0.00008.

Submission:

Labcorp Genetics (formerly Invitae), Labcorp
Classification: Uncertain significance. Last evaluated: 2023-07-17. Review status: criteria provided, single submitter. Criteria: Invitae Variant Classification Sherloc (09022015). Collection method: clinical testing. Allele origin: germline.
Comment: In summary, the available evidence is currently insufficient to determine the role of this variant in disease. Therefore, it has been classified as a Variant of Uncertain Significance. Algorithms developed to predict the effect of missense changes on protein structure and function output the following: SIFT: "Not Available"; PolyPhen-2: "Benign"; Align-GVGD: "Not Available". The methionine amino acid residue is found in multiple mammalian species, which suggests that this missense change does not adversely affect protein function. ClinVar contains an entry for this variant (Variation ID: 1721217). This variant has not been reported in the literature in individuals affected with CAD-related conditions. This variant is present in population databases (rs377126982, gnomAD 0.007%). This sequence change replaces valine, which is neutral and non-polar, with methionine, which is neutral and non-polar, at codon 1670 of the CAD protein (p.Val1670Met).